The following is an entry in ClinVar:

ClinVar aggregate classification (germline): Uncertain significance. Review status: criteria provided, multiple submitters, no conflicts (2 of 4 stars). 2 submissions from 2 submitters: Uncertain significance (2). Last evaluated 2025-12-29.

Conditions:
Hereditary cancer-predisposing syndrome. Also called: Neoplastic Syndromes, Hereditary; Tumor predisposition; Hereditary Cancer Syndrome; Hereditary neoplastic syndrome. Identifiers: Orphanet 140162, MedGen C0027672, MeSH D009386, MONDO:0015356.

Allele frequency attached by ClinVar (database versions not stated): gnomAD exomes below 0.00001.
gnomAD v4.1: 1 of 1,613,226 alleles (0.000062%); highest among the groups gnomAD compares: Non-Finnish European, 0.000085%; no homozygotes.

Submissions (2):

Labcorp Genetics (formerly Invitae), Labcorp
Classification: Uncertain significance. Last evaluated: 2025-12-29. Review status: criteria provided, single submitter. Criteria: Invitae Variant Classification Sherloc (09022015). Collection method: clinical testing. Allele origin: germline.
Comment: This sequence change replaces leucine, which is neutral and non-polar, with phenylalanine, which is neutral and non-polar, at codon 1603 of the POLE protein (p.Leu1603Phe). This variant is not present in population databases (gnomAD no frequency). This variant has not been reported in the literature in individuals affected with POLE-related conditions. ClinVar contains an entry for this variant (Variation ID: 999400). Invitae Evidence Modeling of protein sequence and biophysical properties (such as structural, functional, and spatial information, amino acid conservation, physicochemical variation, residue mobility, and thermodynamic stability) indicates that this missense variant is not expected to disrupt POLE protein function with a negative predictive value of 80%. In summary, the available evidence is currently insufficient to determine the role of this variant in disease. Therefore, it has been classified as a Variant of Uncertain Significance.

Ambry Genetics
Classification: Uncertain significance for Hereditary cancer-predisposing syndrome. Last evaluated: 2024-03-20. Review status: criteria provided, single submitter. Criteria: Ambry Variant Classification Scheme 2023. Collection method: clinical testing. Allele origin: germline.
Comment: The p.L1603F variant (also known as c.4809G>C), located in coding exon 37 of the POLE gene, results from a G to C substitution at nucleotide position 4809. The leucine at codon 1603 is replaced by phenylalanine, an amino acid with highly similar properties. This amino acid position is conserved. In addition, this alteration is predicted to be tolerated by in silico analysis. Based on the available evidence, the clinical significance of this alteration remains unclear.

NM_006231.4(POLE):c.4809G>C (p.Leu1603Phe)

Gene: POLE (DNA polymerase epsilon, catalytic subunit; minus strand). Cytogenetic location: 12q24.33.
Variant type: single nucleotide variant.
Coding change: c.4809G>C on transcript NM_006231.4 (MANE Select); coding-DNA position 4809, G replaced by C.
Protein change: p.Leu1603Phe; replaces leucine 1603 with phenylalanine.
Molecular consequence: missense variant.
Genome position (GRCh38, 1-based): chr12:132,642,649, C>G on the plus strand (G>C on the coding strand, the complement: POLE is on the minus strand). VCF-style: chr12-132642649-C-G. GRCh37 (hg19) VCF-style: chr12-133219235-C-G.
Other names: c.4809G>C (NM_006231.2); short protein forms L1603F.
Identifiers: ClinVar variation 999400 (VCV000999400.9), dbSNP rs75378940, ClinGen allele CA387378323.